The following is an entry in ClinVar:

ClinVar aggregate classification (germline): Conflicting classifications of pathogenicity. Review status: criteria provided, conflicting classifications (1 of 4 stars). 4 submissions from 4 submitters: Uncertain significance (3); Likely benign (1). Last evaluated 2025-08-10.

Conditions:
Inborn genetic diseases. Identifiers: MedGen C0950123, MeSH D030342.
Charcot-Marie-Tooth disease type 2. Also called: Charcot-Marie-Tooth type 2. Identifiers: Orphanet 64746, MedGen C0270914, MONDO:0018993.
Congenital cataract-microcephaly-nevus flammeus simplex-severe intellectual disability syndrome. Also called: Basel-Vanagaite-Smirin-Yosef syndrome. Identifiers: Orphanet 464738, MedGen C4225323, MONDO:0014643, OMIM 616449.

Allele frequency attached by ClinVar (database versions not stated): 1000 Genomes Project 0.00020; gnomAD exomes 0.00006; 1000 Genomes Project 30x 0.00016; TOPMed 0.00003; ExAC 0.00006; gnomAD 0.00013; ESP Exome Variant Server 0.00008.
gnomAD v4.1: 89 of 1,609,664 alleles (0.0055%); highest among the groups gnomAD compares: Middle Eastern, 0.05%; no homozygotes.

Submissions (4):

Ambry Genetics
Classification: Uncertain significance for Inborn genetic diseases. Last evaluated: 2025-08-10. Review status: criteria provided, single submitter. Criteria: Ambry Variant Classification Scheme 2023. Collection method: clinical testing. Allele origin: germline.

3billion
Classification: Likely benign for Congenital cataract-microcephaly-nevus flammeus simplex-severe intellectual disability syndrome. Last evaluated: 2024-09-20. Review status: criteria provided, single submitter. Criteria: ACMG Guidelines, 2015. Collection method: clinical testing. Allele origin: germline. Affected: no.
Comment: The homozygous variant was found in patients diagnosed with another variant in a different gene, with no symptoms related to the gene containing the homozygous variant.

Labcorp Genetics (formerly Invitae), Labcorp
Classification: Uncertain significance for Charcot-Marie-Tooth disease type 2. Last evaluated: 2022-10-17. Review status: criteria provided, single submitter. Criteria: Invitae Variant Classification Sherloc (09022015). Collection method: clinical testing. Allele origin: germline.
Comment: This sequence change replaces valine, which is neutral and non-polar, with isoleucine, which is neutral and non-polar, at codon 596 of the MED25 protein (p.Val596Ile). This variant is present in population databases (rs369707406, gnomAD 0.02%). This variant has not been reported in the literature in individuals affected with MED25-related conditions. ClinVar contains an entry for this variant (Variation ID: 575396). Algorithms developed to predict the effect of missense changes on protein structure and function (SIFT, PolyPhen-2, Align-GVGD) all suggest that this variant is likely to be tolerated. In summary, the available evidence is currently insufficient to determine the role of this variant in disease. Therefore, it has been classified as a Variant of Uncertain Significance.

Breakthrough Genomics
Classification: Uncertain significance. Review status: criteria provided, single submitter. Criteria: ACMG Guidelines, 2015. Collection method: not provided. Allele origin: germline. Inheritance: Autosomal dominant inheritance. Affected: yes.

NM_030973.4(MED25):c.1786G>A (p.Val596Ile)

Gene: MED25 (mediator complex subunit 25; plus strand). Cytogenetic location: 19q13.33.
Variant type: single nucleotide variant.
Coding change: c.1786G>A on transcript NM_030973.4 (MANE Select); coding-DNA position 1786, G replaced by A.
Protein change: p.Val596Ile; replaces valine 596 with isoleucine.
Molecular consequence: missense variant.
Genome position (GRCh38, 1-based): chr19:49,835,766, G>A. VCF-style: chr19-49835766-G-A. GRCh37 (hg19) VCF-style: chr19-50339023-G-A.
Other names: c.1786G>A, p.Val596Ile (NM_001378355.1); short protein forms V596I.
Identifiers: ClinVar variation 575396 (VCV000575396.8), dbSNP rs369707406, ClinGen allele CA9585381.
Genomic context (GRCh38, chr19:49,835,766, plus strand): 5'-CCCTGTGTCTCTTCCCACCAGCTCCAGCTCCGCCCACCGCAGCCCCAGCCTCAGGGTACC[G>A]TAGGGGCCTCTGGGGCCACGGGGCAGCCCCAGCCCCAAGGTACTGCCCAGCCCCCGCCAG-3'
Protein context (NP_112235.2, residues 586-606): RPPQPQPQGT[Val596Ile]GASGATGQPQ